The following is an entry in ClinVar:

ClinVar aggregate classification (germline): Likely pathogenic (1 of 4 stars; one submission).

Conditions:
Dilated cardiomyopathy 1G (CMD1G). Identifiers: Orphanet 154, MedGen C1858763, MONDO:0011400, OMIM 604145.
Autosomal recessive limb-girdle muscular dystrophy type 2J (LGMDR10). Also called: Limb-girdle muscular dystrophy, type 2J; MUSCULAR DYSTROPHY, LIMB-GIRDLE, AUTOSOMAL RECESSIVE 10. Identifiers: Orphanet 140922, MedGen C1837342, MONDO:0012127, OMIM 608807.

Submission:

Labcorp Genetics (formerly Invitae), Labcorp
Classification: Likely pathogenic for Dilated cardiomyopathy 1G; Autosomal recessive limb-girdle muscular dystrophy type 2J. Last evaluated: 2018-06-28. Review status: criteria provided, single submitter. Criteria: Invitae Variant Classification Sherloc (09022015). Collection method: clinical testing. Allele origin: germline.
Comment: In summary, the currently available evidence indicates that the variant is pathogenic, but additional data are needed to prove that conclusively. Therefore, this variant has been classified as Likely Pathogenic. This variant is located in the A band of TTN (PMID: 25589632). Truncating variants in this region are significantly overrepresented in patients affected with dilated cardiomyopathy (PMID: 25589632). Truncating variants in this region have also been reported in individuals affected with autosomal recessive centronuclear myopathy (PMID: 23975875). This variant has not been reported in the literature in individuals with TTN-related disease. This variant is not present in population databases (ExAC no frequency). This sequence change results in a premature translational stop signal in the TTN gene (p.Arg33038Thrfs*12). While this is not anticipated to result in nonsense mediated decay, it is expected to create a truncated TTN protein.

Literature cited by the submitters: PubMed 25589632; PubMed 23975875.

NM_001267550.2(TTN):c.99113_99114del (p.Arg33038fs)

Genes: TTN-AS1 (TTN antisense RNA 1; plus strand), TTN (titin; minus strand). Cytogenetic location: 2q31.2.
Variant type: Deletion.
Coding change: c.99113_99114del on transcript NM_001267550.2 (MANE Select); coding-DNA positions 99113 to 99114, 2 bases deleted (GA; older notation c.99113_99114delGA).
Protein change: p.Arg33038fs; shifts the reading frame from arginine 33038.
Molecular consequence: frameshift variant. On other transcripts: non-coding transcript variant (1).
Genome position (GRCh38, 1-based): chr2:178,538,715-178,538,716, TC deleted on the plus strand (GA on the coding strand, the reverse complement: TTN is on the minus strand); deleting any 2 consecutive bases within chr2:178,538,715-178,538,717 gives the same sequence; the c. name uses the placement nearest the transcript's 3' end. VCF-style (leftmost placement, unchanged base first): chr2-178538714-GTC-G. GRCh37 (hg19) VCF-style: chr2-179403441-GTC-G.
Other names: c.94190_94191del, p.Arg31397fs (NM_001256850.1); c.71918_71919del, p.Arg23973fs (NM_003319.4); c.91409_91410del, p.Arg30470fs (NM_133378.4); c.72293_72294del, p.Arg24098fs (NM_133432.3); c.72494_72495del, p.Arg24165fs (NM_133437.4); short protein forms R23973fs, R24098fs, R24165fs, R30470fs, R31397fs, R33038fs.
Identifiers: ClinVar variation 1065946 (VCV001065946.9), dbSNP rs2154139316, ClinGen allele CA2499215295.